The following is an entry in ClinVar:

NM_001378454.1(ALMS1):c.2221dup (p.Thr741fs)

Gene: ALMS1 (ALMS1 centrosome and basal body associated protein; plus strand). Cytogenetic location: 2p13.1.
Variant type: Duplication.
Coding change: c.2221dup on transcript NM_001378454.1 (MANE Select); coding-DNA position 2221, one base duplicated (A; older notation c.2221dupA).
Protein change: p.Thr741fs; shifts the reading frame from threonine 741.
Molecular consequence: frameshift variant.
Genome position (GRCh38, 1-based): chr2:73,448,748, A duplicated. VCF-style (leftmost placement, unchanged base first): chr2-73448747-T-TA. GRCh37 (hg19) VCF-style: chr2-73675874-T-TA.
Other names: c.2224dup, p.Thr742fs (NM_015120.4); c.2224dupA (NM_015120.4); short protein forms T742fs, T741fs.
Identifiers: ClinVar variation 552645 (VCV000552645.11), dbSNP rs769291842, ClinGen allele CA1713307.

ClinVar aggregate classification (germline): Pathogenic. Review status: criteria provided, multiple submitters, no conflicts (2 of 4 stars). 4 submissions from 4 submitters: Pathogenic (3). 1 of the submissions does not count toward it. Last evaluated 2025-07-07.

Conditions:
Cardiovascular phenotype. Identifiers: MedGen CN230736.
Alstrom syndrome (ALMS). Identifiers: Orphanet 64, MedGen C0268425, MONDO:0008763, OMIM 203800.

Allele frequency attached by ClinVar (database versions not stated): gnomAD exomes below 0.00001 and 0.00001; ExAC 0.00001.

Submissions (4):

Ambry Genetics
Classification: Pathogenic for Cardiovascular phenotype. Last evaluated: 2025-07-07. Review status: criteria provided, single submitter. Criteria: Ambry Variant Classification Scheme 2023. Collection method: clinical testing. Allele origin: germline.
Comment: The c.2224dupA pathogenic mutation, located in coding exon 8 of the ALMS1 gene, results from a duplication of A at nucleotide position 2224, causing a translational frameshift with a predicted alternate stop codon (p.T742Nfs*2). This variant (also referred to as c.2218dupA) has been reported to co-occur with nonsense variants in the ALMS1 gene in individuals reported to have Alstrom syndrome (Edwards NC et al. Orphanet J Rare Dis, 2015 Jun;10:83; Astuti D et al. Hum Mutat, 2017 07;38:764-777). This alteration is expected to result in loss of function by premature protein truncation or nonsense-mediated mRNA decay. This variant is considered to be rare based on population cohorts in the Genome Aggregation Database (gnomAD). As such, this alteration is interpreted as a disease-causing mutation.

Labcorp Genetics (formerly Invitae), Labcorp
Classification: Pathogenic for Alstrom syndrome. Last evaluated: 2025-06-16. Review status: criteria provided, single submitter. Criteria: Invitae Variant Classification Sherloc (09022015). Collection method: clinical testing. Allele origin: germline.
Comment: This sequence change creates a premature translational stop signal (p.Thr742Asnfs*2) in the ALMS1 gene. It is expected to result in an absent or disrupted protein product. Loss-of-function variants in ALMS1 are known to be pathogenic (PMID: 17594715). This variant is present in population databases (rs769291842, gnomAD 0.0009%). This premature translational stop signal has been observed in individual(s) with ALMS1-related conditions (PMID: 28432734). ClinVar contains an entry for this variant (Variation ID: 552645). For these reasons, this variant has been classified as Pathogenic.

Women's Health and Genetics/Laboratory Corporation of America, LabCorp
Classification: Pathogenic for Alstrom syndrome. Last evaluated: 2024-12-30. Review status: criteria provided, single submitter. Criteria: LabCorp Variant Classification Summary - May 2015. Collection method: clinical testing. Allele origin: germline.
Comment: Variant summary: ALMS1 c.2218dupA (p.Thr740AsnfsX2) results in a premature termination codon, predicted to cause a truncation of the encoded protein or absence of the protein due to nonsense mediated decay, which are commonly known mechanisms for disease. The variant allele was found at a frequency of 4e-06 in 249020 control chromosomes. c.2218dupA has been reported in the literature in individuals affected with Alstrom Syndrome (e.g. Astuti_2017). To our knowledge, no experimental evidence demonstrating an impact on protein function has been reported. The following publication have been ascertained in the context of this evaluation (PMID: 28432734). ClinVar contains an entry for this variant (Variation ID: 552645). Based on the evidence outlined above, the variant was classified as pathogenic.

Counsyl
Classification: Likely pathogenic for Alstrom syndrome. Last evaluated: 2017-06-26. Review status: no assertion criteria provided. Collection method: clinical testing. Allele origin: unknown. Not counted in ClinVar's aggregate classification.

Literature cited by the submitters: PubMed 26104972 (cited by Ambry Genetics and Counsyl); PubMed 28432734 (cited by 3 submitters); PubMed 17594715 (cited by Labcorp Genetics (formerly Invitae), Labcorp).